The following is an entry in ClinVar:

NM_000152.5(GAA):c.546+293G>A

Gene: GAA (alpha glucosidase; plus strand). Cytogenetic location: 17q25.3.
Variant type: single nucleotide variant.
Coding change: c.546+293G>A on transcript NM_000152.5 (MANE Select); 293 bases into the intron after coding-DNA position 546, G replaced by A.
Molecular consequence: intron variant.
Genome position (GRCh38, 1-based): chr17:80,105,425, G>A. VCF-style: chr17-80105425-G-A. GRCh37 (hg19) VCF-style: chr17-78079224-G-A.
Other names: c.546+293G>A (NM_001079803.3, NM_001079804.3).
Identifiers: ClinVar variation 680590 (VCV000680590.3), dbSNP rs34746710, ClinGen allele CA14389642.

ClinVar aggregate classification (germline): Benign. Review status: criteria provided, multiple submitters, no conflicts (2 of 4 stars). 3 submissions from 3 submitters: Benign (3). Last evaluated 2026-07-01.

Conditions:
Glycogen storage disease, type II (IOPD). Also called: Pompe Disease; CARDIOMEGALIA GLYCOGENICA DIFFUSA; GLYCOGENOSIS, GENERALIZED, CARDIAC FORM; GSD II; POMPE DISEASE, INFANTILE-ONSET; GLYCOGEN STORAGE DISEASE II, INFANTILE-ONSET. Identifiers: Orphanet 365, MedGen C0017921, MONDO:0009290, OMIM 232300.

Allele frequency attached by ClinVar (database versions not stated): 1000 Genomes Project 30x 0.16131; 1000 Genomes Project 0.16194; TOPMed 0.19949; gnomAD 0.20206 and 0.20364.
gnomAD v4.1: 31,044 of 152,210 alleles (20%); highest among the groups gnomAD compares: Non-Finnish European, 28%; 3,868 homozygotes.

Submissions (3):

Genomenon, Inc
Classification: Benign for Glycogen storage disease, type II. Last evaluated: 2026-07-01. Review status: criteria provided, single submitter. Criteria: Genomenon Sequence Variant Interpretation Standards - Updated. Collection method: curation. Allele origin: germline. Affected: no.
Comment: GAA c.546+293G>A is an intronic variant located in intron 2. This variant is present at high allele frequency in population databases. We classify GAA c.546+293G>A as a benign variant.

GeneDx
Classification: Benign. Last evaluated: 2018-06-14. Review status: criteria provided, single submitter. Criteria: GeneDx Variant Classification (06012015). Collection method: clinical testing. Allele origin: germline. Affected: yes.
Comment: This variant is considered likely benign or benign based on one or more of the following criteria: it is a conservative change, it occurs at a poorly conserved position in the protein, it is predicted to be benign by multiple in silico algorithms, and/or has population frequency not consistent with disease.

Breakthrough Genomics
Classification: Benign. Review status: criteria provided, single submitter. Criteria: ACMG Guidelines, 2015. Collection method: not provided. Allele origin: germline. Inheritance: Autosomal recessive inheritance. Affected: yes.